The following is an entry in ClinVar:

ClinVar aggregate classification (germline): Benign/Likely benign. Review status: criteria provided, multiple submitters, no conflicts (2 of 4 stars). 4 submissions from 4 submitters: Benign (1); Likely benign (3). Last evaluated 2025-10-27.

Conditions:
Familial cancer of breast. Also called: Hereditary breast cancer; BREAST CANCER, FAMILIAL; hereditary breast carcinoma. Identifiers: Orphanet 227535, MedGen C0346153, MONDO:0016419, OMIM 114480. Disease mechanism: loss of function.
Hereditary cancer-predisposing syndrome. Also called: Tumor predisposition; Neoplastic Syndromes, Hereditary; Hereditary neoplastic syndrome; Hereditary Cancer Syndrome. Identifiers: Orphanet 140162, MedGen C0027672, MeSH D009386, MONDO:0015356.

Allele frequency attached by ClinVar (database versions not stated): gnomAD exomes below 0.00001.
gnomAD v4.1: 2 of 1,614,100 alleles (0.00012%); highest among the groups gnomAD compares: South Asian, 0.0011%; no homozygotes.

Submissions (4):

Labcorp Genetics (formerly Invitae), Labcorp
Classification: Likely benign for Familial cancer of breast. Last evaluated: 2025-10-27. Review status: criteria provided, single submitter. Criteria: Invitae Variant Classification Sherloc (09022015). Collection method: clinical testing. Allele origin: germline.

Myriad Genetics, Inc.
Classification: Benign for Familial cancer of breast. Last evaluated: 2025-01-14. Review status: criteria provided, single submitter. Criteria: Myriad Autosomal Dominant, Autosomal Recessive and X-Linked Classification Criteria (2023). Collection method: clinical testing. Allele origin: unknown.
Comment: This variant is considered benign. This variant is a silent/synonymous amino acid change and it is not expected to impact splicing.

Color Diagnostics, LLC DBA Color Health
Classification: Likely benign for Hereditary cancer-predisposing syndrome. Last evaluated: 2022-04-18. Review status: criteria provided, single submitter. Criteria: ACMG Guidelines, 2015. Collection method: clinical testing. Allele origin: germline.

Ambry Genetics
Classification: Likely benign for Hereditary cancer-predisposing syndrome. Last evaluated: 2016-09-27. Review status: criteria provided, single submitter. Criteria: Ambry Variant Classification Scheme 2023. Collection method: clinical testing. Allele origin: germline.

NM_024675.4(PALB2):c.1650A>G (p.Lys550=)

Gene: PALB2 (partner and localizer of BRCA2; minus strand). Cytogenetic location: 16p12.2.
Variant type: single nucleotide variant.
Coding change: c.1650A>G on transcript NM_024675.4 (MANE Select); coding-DNA position 1650, A replaced by G.
Protein change: p.Lys550=; no amino-acid change (lysine 550 retained).
Molecular consequence: synonymous variant.
Genome position (GRCh38, 1-based): chr16:23,634,896, T>C on the plus strand (A>G on the coding strand, the complement: PALB2 is on the minus strand). VCF-style: chr16-23634896-T-C. GRCh37 (hg19) VCF-style: chr16-23646217-T-C.
Identifiers: ClinVar variation 415995 (VCV000415995.17), dbSNP rs1060504716, ClinGen allele CA16615254.